The following is an entry in ClinVar:

NM_032444.4(SLX4):c.3235C>T (p.Pro1079Ser)

Gene: SLX4 (SLX4 structure-specific endonuclease subunit; minus strand). Cytogenetic location: 16p13.3.
Variant type: single nucleotide variant.
Coding change: c.3235C>T on transcript NM_032444.4 (MANE Select); coding-DNA position 3235, C replaced by T.
Protein change: p.Pro1079Ser; replaces proline 1079 with serine.
Molecular consequence: missense variant.
Genome position (GRCh38, 1-based): chr16:3,590,403, G>A on the plus strand (C>T on the coding strand, the complement: SLX4 is on the minus strand). VCF-style: chr16-3590403-G-A. GRCh37 (hg19) VCF-style: chr16-3640404-G-A.
Other names: c.3235C>T (LRG_503t1, NM_032444.3); short protein forms P1079S.
Identifiers: ClinVar variation 575313 (VCV000575313.5), dbSNP rs373231418, ClinGen allele CA7865960.
Genomic context (GRCh38, chr16:3,590,403, plus strand): 5'-TCTGGTGCCCTGGCTCTTTAGACAGCGTGAGGATGCTCCTGTCCCTTTTCTGCTTTGATG[G>A]CACAGCTGGAGACAGCAAGGTTGGGGAGCCCACCTGGGAAGTTCCGCCACGGGACCGGGG-3'
Protein context (NP_115820.2, residues 1069-1089): GSPTLLSPAV[Pro1079Ser]SKQKRDRSIL

ClinVar aggregate classification (germline): Uncertain significance. Review status: criteria provided, multiple submitters, no conflicts (2 of 4 stars). 2 submissions from 2 submitters: Uncertain significance (2). Last evaluated 2023-06-14.

Conditions:
Fanconi anemia (FA). Also called: Fanconi's anemia. Identifiers: Orphanet 84, MedGen C0015625, MeSH D005199, MONDO:0019391.
SLX4-related disorder. Also called: SLX4-related condition.

Allele frequency attached by ClinVar (database versions not stated): ExAC 0.00001; gnomAD exomes 0.00001 and 0.00003; TOPMed 0.00002; gnomAD 0.00003 and 0.00004; ESP Exome Variant Server 0.00008.

Submissions (2):

PreventionGenetics, part of Exact Sciences
Classification: Uncertain significance for SLX4-related condition. Last evaluated: 2023-06-14. Review status: criteria provided, single submitter. Criteria: ACMG Guidelines, 2015. Collection method: clinical testing. Allele origin: germline.
Comment: The SLX4 c.3235C>T variant is predicted to result in the amino acid substitution p.Pro1079Ser. To our knowledge, this variant has not been reported in the literature. This variant is reported in 0.0031% of alleles in individuals of European (Non-Finnish) descent in gnomAD. At this time, the clinical significance of this variant is uncertain due to the absence of conclusive functional and genetic evidence.

Labcorp Genetics (formerly Invitae), Labcorp
Classification: Uncertain significance for Fanconi anemia. Last evaluated: 2022-12-26. Review status: criteria provided, single submitter. Criteria: Invitae Variant Classification Sherloc (09022015). Collection method: clinical testing. Allele origin: germline.
Comment: In summary, the available evidence is currently insufficient to determine the role of this variant in disease. Therefore, it has been classified as a Variant of Uncertain Significance. Algorithms developed to predict the effect of missense changes on protein structure and function output the following: SIFT: "Deleterious"; PolyPhen-2: "Benign"; Align-GVGD: "Class C0". The serine amino acid residue is found in multiple mammalian species, which suggests that this missense change does not adversely affect protein function. ClinVar contains an entry for this variant (Variation ID: 575313). This variant has not been reported in the literature in individuals affected with SLX4-related conditions. This variant is present in population databases (rs373231418, gnomAD 0.003%). This sequence change replaces proline, which is neutral and non-polar, with serine, which is neutral and polar, at codon 1079 of the SLX4 protein (p.Pro1079Ser).